The following is an entry in ClinVar:

NM_012254.3(SLC27A5):c.780G>A (p.Gly260=)

Gene: SLC27A5 (solute carrier family 27 member 5; minus strand). Cytogenetic location: 19q13.43.
Variant type: single nucleotide variant.
Coding change: c.780G>A on transcript NM_012254.3 (MANE Select); coding-DNA position 780, G replaced by A.
Protein change: p.Gly260=; no amino-acid change (glycine 260 retained).
Molecular consequence: synonymous variant.
Genome position (GRCh38, 1-based): chr19:58,510,839, C>T on the plus strand (G>A on the coding strand, the complement: SLC27A5 is on the minus strand). VCF-style: chr19-58510839-C-T. GRCh37 (hg19) VCF-style: chr19-59022206-C-T.
Other names: c.528G>A, p.Gly176= (NM_001321196.2); c.780G>A (NM_012254.2).
Identifiers: ClinVar variation 594099 (VCV000594099.6), dbSNP rs766541570, ClinGen allele CA9718211.

ClinVar aggregate classification (germline): Conflicting classifications of pathogenicity. Review status: criteria provided, conflicting classifications (1 of 4 stars). 2 submissions from 2 submitters: Uncertain significance (1); Likely benign (1). Last evaluated 2024-10-28.

Conditions:
SLC27A5-related disorder. Also called: SLC27A5-related condition.

Allele frequency attached by ClinVar (database versions not stated): gnomAD 0.00001; gnomAD exomes 0.00001 and 0.00002; TOPMed 0.00001; ExAC 0.00003.
gnomAD v4.1: 7 of 1,613,216 alleles (0.00043%); highest among the groups gnomAD compares: Admixed American, 0.012%; no homozygotes.

Submissions (2):

PreventionGenetics, part of Exact Sciences
Classification: Likely benign for SLC27A5-related condition. Last evaluated: 2024-10-28. Review status: criteria provided, single submitter. Criteria: ACMG Guidelines, 2015. Collection method: clinical testing. Allele origin: germline.
Comment: This variant is classified as likely benign based on ACMG/AMP sequence variant interpretation guidelines (Richards et al. 2015 PMID: 25741868, with internal and published modifications).

Eurofins Ntd Llc (ga)
Classification: Uncertain significance. Last evaluated: 2018-07-31. Review status: criteria provided, single submitter. Criteria: EGL ClinVar v180209 classification definitions. Collection method: clinical testing. Allele origin: germline. Observed: 2 variant alleles, 2 heterozygotes.